The following is an entry in ClinVar:

NM_020639.3(RIPK4):c.1243G>A (p.Val415Met)

Gene: RIPK4 (receptor interacting serine/threonine kinase 4; minus strand). Cytogenetic location: 21q22.3.
Variant type: single nucleotide variant.
Coding change: c.1243G>A on transcript NM_020639.3 (MANE Select); coding-DNA position 1243, G replaced by A.
Protein change: p.Val415Met; replaces valine 415 with methionine.
Molecular consequence: missense variant.
Genome position (GRCh38, 1-based): chr21:41,741,950, C>T on the plus strand (G>A on the coding strand, the complement: RIPK4 is on the minus strand). VCF-style: chr21-41741950-C-T. GRCh37 (hg19) VCF-style: chr21-43162110-C-T.
Other names: short protein forms V415M.
Identifiers: ClinVar variation 340022 (VCV000340022.12), dbSNP rs55645753, ClinGen allele CA10035344.

ClinVar aggregate classification (germline): Conflicting classifications of pathogenicity. Review status: criteria provided, conflicting classifications (1 of 4 stars). 4 submissions from 4 submitters: Uncertain significance (1); Likely benign (2). 1 of the submissions does not count toward it. Last evaluated 2024-10-21.

Conditions:
RIPK4-related disorder. Also called: RIPK4-related condition.
Bartsocas-Papas syndrome 1. Also called: MULTIPLE PTERYGIUM SYNDROME, ASLAN TYPE; PTERYGIUM, POPLITEAL, LETHAL TYPE; Bartsocas-Papas syndrome. Identifiers: Orphanet 1234, MedGen C1849718, MONDO:0009901, OMIM 263650.

Allele frequency attached by ClinVar (database versions not stated): gnomAD exomes 0.00062; ExAC 0.00064; gnomAD 0.00073; TOPMed 0.00090; 1000 Genomes Project 0.00100; ESP Exome Variant Server 0.00115; 1000 Genomes Project 30x 0.00141.

Submissions (4):

Blueprint Genetics
Classification: Likely benign. Last evaluated: 2024-10-21. Review status: criteria provided, single submitter. Criteria: ACMG Guidelines, 2015. Collection method: clinical testing. Allele origin: germline.

Labcorp Genetics (formerly Invitae), Labcorp
Classification: Likely benign. Last evaluated: 2019-12-31. Review status: criteria provided, single submitter. Criteria: Invitae Variant Classification Sherloc (09022015). Collection method: clinical testing. Allele origin: germline.

Illumina Laboratory Services, Illumina
Classification: Uncertain significance for Bartsocas-Papas syndrome 1. Last evaluated: 2018-01-12. Review status: criteria provided, single submitter. Criteria: ICSL Variant Classification Criteria 13 December 2019. Collection method: clinical testing. Allele origin: germline.

PreventionGenetics, part of Exact Sciences
Classification: Likely benign for RIPK4-related condition. Last evaluated: 2023-10-24. Review status: no assertion criteria provided. Collection method: clinical testing. Allele origin: germline. Not counted in ClinVar's aggregate classification.
Comment: This variant is classified as likely benign based on ACMG/AMP sequence variant interpretation guidelines (Richards et al. 2015 PMID: 25741868, with internal and published modifications).